The following is an entry in ClinVar:

ClinVar aggregate classification (germline): Uncertain significance (1 of 4 stars; one submission).

Conditions:
Dyskeratosis congenita, autosomal dominant 2. Identifiers: MedGen C3151443, MONDO:0013521, OMIM 613989.
Idiopathic Pulmonary Fibrosis. Also called: Idiopathic fibrosing alveolitis, chronic form; idiopathic fibrosing alveolitis. Identifiers: Orphanet 2032, MedGen C1800706, MeSH D054990, MONDO:0800504.

Submission:

Labcorp Genetics (formerly Invitae), Labcorp
Classification: Uncertain significance for Dyskeratosis congenita, autosomal dominant 2; Idiopathic Pulmonary Fibrosis. Last evaluated: 2019-12-13. Review status: criteria provided, single submitter. Criteria: Invitae Variant Classification Sherloc (09022015). Collection method: clinical testing. Allele origin: germline.
Comment: Algorithms developed to predict the effect of missense changes on protein structure and function (SIFT, PolyPhen-2, Align-GVGD) all suggest that this variant is likely to be disruptive, but these predictions have not been confirmed by published functional studies and their clinical significance is uncertain. In summary, the available evidence is currently insufficient to determine the role of this variant in disease. Therefore, it has been classified as a Variant of Uncertain Significance. This sequence change replaces leucine with proline at codon 520 of the TERT protein (p.Leu520Pro). The leucine residue is highly conserved and there is a moderate physicochemical difference between leucine and proline. This variant is not present in population databases (ExAC no frequency). This variant has not been reported in the literature in individuals with TERT-related conditions.

NM_198253.3(TERT):c.1559T>C (p.Leu520Pro)

Gene: TERT (telomerase reverse transcriptase; minus strand). Cytogenetic location: 5p15.33.
Variant type: single nucleotide variant.
Coding change: c.1559T>C on transcript NM_198253.3 (MANE Select); coding-DNA position 1559, T replaced by C.
Protein change: p.Leu520Pro; replaces leucine 520 with proline.
Molecular consequence: missense variant. On other transcripts: non-coding transcript variant (2).
Genome position (GRCh38, 1-based): chr5:1,293,327, A>G on the plus strand (T>C on the coding strand, the complement: TERT is on the minus strand). VCF-style: chr5-1293327-A-G. GRCh37 (hg19) VCF-style: chr5-1293442-A-G.
Other names: c.1559T>C, p.Leu520Pro (NM_001193376.3); short protein forms L520P.
Identifiers: ClinVar variation 856125 (VCV000856125.48), dbSNP rs1751110348, ClinGen allele CA359085039.
Genomic context (GRCh38, chr5:1,293,327, plus strand): 5'-CATTCAGCTCTGGGGCCTGGGCCCTCGACGGCCACCACCTCCTCACCTGGGCTCCTGCGC[A>G]GCCAAGCGCAGTCCCGCACGCTCATCTTCCACGTCAGCTCCTGCAGCGAGAGCTTGGCAT-3'
Protein context (NP_937983.2, residues 510-530): WKMSVRDCAW[Leu520Pro]RRSPGVGCVP